The following is an entry in ClinVar:

NM_000368.5(TSC1):c.1289C>T (p.Pro430Leu)

Gene: TSC1 (TSC complex subunit 1; minus strand). Cytogenetic location: 9q34.13.
Variant type: single nucleotide variant.
Coding change: c.1289C>T on transcript NM_000368.5 (MANE Select); coding-DNA position 1289, C replaced by T.
Protein change: p.Pro430Leu; replaces proline 430 with leucine.
Molecular consequence: missense variant.
Genome position (GRCh38, 1-based): chr9:132,907,345, G>A on the plus strand (C>T on the coding strand, the complement: TSC1 is on the minus strand). VCF-style: chr9-132907345-G-A. GRCh37 (hg19) VCF-style: chr9-135782732-G-A.
Other names: c.1286C>T, p.Pro429Leu (NM_001162426.2); c.1136C>T, p.Pro379Leu (NM_001162427.2); c.926C>T, p.Pro309Leu (NM_001362177.2); short protein forms P429L, P379L, P430L, P309L.
Identifiers: ClinVar variation 843971 (VCV000843971.12), dbSNP rs1845727308, ClinGen allele CA375366170.

ClinVar aggregate classification (germline): Uncertain significance. Review status: criteria provided, multiple submitters, no conflicts (2 of 4 stars). 2 submissions from 2 submitters: Uncertain significance (2). Last evaluated 2022-06-04.

Conditions:
Hereditary cancer-predisposing syndrome. Also called: Neoplastic Syndromes, Hereditary; Hereditary neoplastic syndrome; Tumor predisposition; Hereditary Cancer Syndrome. Identifiers: Orphanet 140162, MedGen C0027672, MeSH D009386, MONDO:0015356.
Tuberous sclerosis 1 (TSC1). Identifiers: Orphanet 805, MedGen C1854465, MONDO:0008612, OMIM 191100.

Submissions (2):

Ambry Genetics
Classification: Uncertain significance for Hereditary cancer-predisposing syndrome. Last evaluated: 2022-06-04. Review status: criteria provided, single submitter. Criteria: Ambry Variant Classification Scheme 2023. Collection method: clinical testing. Allele origin: germline.
Comment: The p.P430L variant (also known as c.1289C>T), located in coding exon 11 of the TSC1 gene, results from a C to T substitution at nucleotide position 1289. The proline at codon 430 is replaced by leucine, an amino acid with similar properties. This amino acid position is conserved. In addition, the in silico prediction for this alteration is inconclusive. Since supporting evidence is limited at this time, the clinical significance of this alteration remains unclear.

Labcorp Genetics (formerly Invitae), Labcorp
Classification: Uncertain significance for Tuberous sclerosis 1. Last evaluated: 2020-02-26. Review status: criteria provided, single submitter. Criteria: Invitae Variant Classification Sherloc (09022015). Collection method: clinical testing. Allele origin: germline.
Comment: This variant has not been reported in the literature in individuals with TSC1-related conditions. This variant is not present in population databases (ExAC no frequency). This sequence change replaces proline with leucine at codon 430 of the TSC1 protein (p.Pro430Leu). The proline residue is moderately conserved and there is a moderate physicochemical difference between proline and leucine. Algorithms developed to predict the effect of missense changes on protein structure and function are either unavailable or do not agree on the potential impact of this missense change (SIFT: "Deleterious"; PolyPhen-2: "Benign"; Align-GVGD: "Class C0"). In summary, the available evidence is currently insufficient to determine the role of this variant in disease. Therefore, it has been classified as a Variant of Uncertain Significance.